The following is an entry in ClinVar:

NM_005570.4(LMAN1):c.*3107T>A

Gene: LMAN1 (lectin, mannose binding 1; minus strand). Cytogenetic location: 18q21.32.
Variant type: single nucleotide variant.
Coding change: c.*3107T>A on transcript NM_005570.4 (MANE Select); 3107 bases downstream of the stop codon, T replaced by A.
Molecular consequence: 3 prime UTR variant.
Genome position (GRCh38, 1-based): chr18:59,327,986, A>T on the plus strand (T>A on the coding strand, the complement: LMAN1 is on the minus strand). VCF-style: chr18-59327986-A-T. GRCh37 (hg19) VCF-style: chr18-56995218-A-T.
Identifiers: ClinVar variation 327538 (VCV000327538.5), dbSNP rs3760558, ClinGen allele CA10651170.

ClinVar aggregate classification (germline): Benign (1 of 4 stars; one submission).

Conditions:
Factor V and factor VIII, combined deficiency of, type 1. Also called: Combined factor V and VIII deficiency; FAMILIAL MULTIPLE COAGULATION FACTOR DEFICIENCY I; MULTIPLE COAGULATION FACTOR DEFICIENCY I; FMFD I. Identifiers: Orphanet 35909, MedGen C4551981, MONDO:0009206, OMIM 227300.

Allele frequency attached by ClinVar (database versions not stated): gnomAD 0.00410 and 0.00267; 1000 Genomes Project 30x 0.02046; 1000 Genomes Project 0.02137; TOPMed 0.00726.

Submission:

Illumina Laboratory Services, Illumina
Classification: Benign for Factor V and factor VIII, combined deficiency of, type 1. Last evaluated: 2018-01-13. Review status: criteria provided, single submitter. Criteria: ICSL Variant Classification Criteria 13 December 2019. Collection method: clinical testing. Allele origin: germline.
Comment: This variant was observed in the ICSL laboratory as part of a predisposition screen in an ostensibly healthy population. It had not been previously curated by ICSL or reported in the Human Gene Mutation Database (HGMD: prior to June 1st, 2018), and was therefore a candidate for classification through an automated scoring system. Utilizing variant allele frequency, disease prevalence and penetrance estimates, and inheritance mode, an automated score was calculated to assess if this variant is too frequent to cause the disease. Based on the score and internal cut-off values, a variant classified as benign is not then subjected to further curation. The score for this variant resulted in a classification of benign for this disease.